The following is an entry in ClinVar:

ClinVar aggregate classification (germline): Likely pathogenic. Review status: criteria provided, single submitter (1 of 4 stars). 2 submissions from 2 submitters: Likely pathogenic (1). 1 of the submissions does not count toward it. Last evaluated 2024-12-19.

Conditions:
WT1-related disorder. Also called: WT1-related disorders. Identifiers: MedGen CN377814.
Leber congenital amaurosis 10 (LCA10). Identifiers: Orphanet 65, MedGen C1857821, MONDO:0012723, OMIM 611755.

Submissions (2):

Genomic Medicine Center of Excellence, King Faisal Specialist Hospital and Research Centre
Classification: Likely pathogenic for Leber congenital amaurosis 10. Last evaluated: 2024-12-19. Review status: criteria provided, single submitter. Criteria: ACMG Guidelines, 2015. Collection method: clinical testing. Allele origin: germline.

PreventionGenetics, part of Exact Sciences
Classification: Uncertain significance for WT1-related condition. Last evaluated: 2023-11-21. Review status: no assertion criteria provided. Collection method: clinical testing. Allele origin: germline. Not counted in ClinVar's aggregate classification.
Comment: The WT1 c.1193G>T variant is predicted to result in the amino acid substitution p.Cys398Phe. To our knowledge, this variant has not been reported in the literature or in a large population database, indicating this variant is rare. The p.Cys398 residue is highly conserved during evolution. Of note, a different substitution at the same codon, defined as c.1193G>A (p.Cys398Tyr), has been reported to be pathogenic for steroid resistant nephrotic syndrome (also known as p.Cys393Tyr or p.C393Y in the literature; Nagano et al. 2020. PubMed ID: 31937884; Varner et al. 2018. PubMed ID: 30406062). Although we suspect that the p.Cys398Phe variant found in this patient is also pathogenic, at this time, the clinical significance of this variant is uncertain due to the absence of conclusive functional and genetic evidence.

NM_024426.6(WT1):c.1208G>T (p.Cys403Phe)

Gene: WT1 (WT1 transcription factor; minus strand). Cytogenetic location: 11p13.
Variant type: single nucleotide variant.
Coding change: c.1208G>T on transcript NM_024426.6 (MANE Select); coding-DNA position 1208, G replaced by T.
Protein change: p.Cys403Phe; replaces cysteine 403 with phenylalanine.
Molecular consequence: missense variant. On other transcripts: non-coding transcript variant (2).
Genome position (GRCh38, 1-based): chr11:32,396,313, C>A on the plus strand (G>T on the coding strand, the complement: WT1 is on the minus strand). VCF-style: chr11-32396313-C-A. GRCh37 (hg19) VCF-style: chr11-32417859-C-A.
Other names: c.1157G>T, p.Cys386Phe (NM_000378.6, NM_001407045.1, NM_001407048.1 and 1 more transcripts); c.557G>T, p.Cys186Phe (NM_001198551.2); c.506G>T, p.Cys169Phe (NM_001198552.2); c.20G>T, p.Cys7Phe (NM_001367854.1); c.1202G>T, p.Cys401Phe (NM_001407044.1); c.1208G>T, p.Cys403Phe (NM_001407046.1, NM_024424.5); c.1085G>T, p.Cys362Phe (NM_001407047.1); c.1034G>T, p.Cys345Phe (NM_001407050.1); and 2 more; short protein forms C149F, C169F, C186F, C345F, C362F, C381F, C386F, C398F.
Identifiers: ClinVar variation 3038856 (VCV003038856.3), dbSNP rs121907904, ClinGen allele CA379959893.